The following is an entry in ClinVar:

NM_001042492.3(NF1):c.8407C>T (p.Pro2803Ser)

Gene: NF1 (neurofibromin 1; plus strand). Cytogenetic location: 17q11.2.
Variant type: single nucleotide variant.
Coding change: c.8407C>T on transcript NM_001042492.3 (MANE Select); coding-DNA position 8407, C replaced by T.
Protein change: p.Pro2803Ser; replaces proline 2803 with serine.
Molecular consequence: missense variant.
Genome position (GRCh38, 1-based): chr17:31,374,042, C>T. VCF-style: chr17-31374042-C-T. GRCh37 (hg19) VCF-style: chr17-29701060-C-T.
Other names: c.8344C>T, p.Pro2782Ser (NM_000267.4); short protein forms P2782S, P2803S.
Identifiers: ClinVar variation 1437011 (VCV001437011.9), dbSNP rs779180729, ClinGen allele CA399205910.

ClinVar aggregate classification (germline): Uncertain significance. Review status: criteria provided, multiple submitters, no conflicts (2 of 4 stars). 2 submissions from 2 submitters: Uncertain significance (2). Last evaluated 2023-03-01.

Conditions:
Cardiovascular phenotype. Identifiers: MedGen CN230736.
Hereditary cancer-predisposing syndrome. Also called: Neoplastic Syndromes, Hereditary; Hereditary Cancer Syndrome; Tumor predisposition; Hereditary neoplastic syndrome. Identifiers: Orphanet 140162, MedGen C0027672, MeSH D009386, MONDO:0015356.
Neurofibromatosis, type 1 (NF1). Also called: Peripheral type neurofibromatosis; VON RECKLINGHAUSEN DISEASE; NEUROFIBROMATOSIS, TYPE I, SOMATIC; Neurofibromatosis, type I. Identifiers: Orphanet 636, MedGen C0027831, MONDO:0018975, OMIM 162200. Disease mechanism: loss of function.

Submissions (2):

Ambry Genetics
Classification: Uncertain significance for Cardiovascular phenotype; Hereditary cancer-predisposing syndrome. Last evaluated: 2023-03-01. Review status: criteria provided, single submitter. Criteria: Ambry Variant Classification Scheme 2023. Collection method: clinical testing. Allele origin: germline.
Comment: The p.P2782S variant (also known as c.8344C>T), located in coding exon 57 of the NF1 gene, results from a C to T substitution at nucleotide position 8344. The proline at codon 2782 is replaced by serine, an amino acid with similar properties. This amino acid position is highly conserved in available vertebrate species. In addition, this alteration is predicted to be tolerated by in silico analysis. Since supporting evidence is limited at this time, the clinical significance of this alteration remains unclear.

Labcorp Genetics (formerly Invitae), Labcorp
Classification: Uncertain significance for Neurofibromatosis, type 1. Last evaluated: 2021-04-02. Review status: criteria provided, single submitter. Criteria: Invitae Variant Classification Sherloc (09022015). Collection method: clinical testing. Allele origin: germline.
Comment: In summary, the available evidence is currently insufficient to determine the role of this variant in disease. Therefore, it has been classified as a Variant of Uncertain Significance. Algorithms developed to predict the effect of missense changes on protein structure and function are either unavailable or do not agree on the potential impact of this missense change (SIFT: "Tolerated"; PolyPhen-2: "Probably Damaging"; Align-GVGD: "Class C0"). This variant has not been reported in the literature in individuals with NF1-related conditions. This variant is not present in population databases (ExAC no frequency). This sequence change replaces proline with serine at codon 2782 of the NF1 protein (p.Pro2782Ser). The proline residue is moderately conserved and there is a moderate physicochemical difference between proline and serine.